The following is an entry in ClinVar:

ClinVar aggregate classification (germline): Benign (1 of 4 stars; one submission).

Conditions:
Torsion dystonia 6 (DYT6). Also called: DYT-THAP1. Identifiers: Orphanet 98806, MedGen C1414216, MONDO:0011264, OMIM 602629.

Allele frequency attached by ClinVar (database versions not stated): gnomAD exomes 0.00114; gnomAD 0.02998 and 0.03227; 1000 Genomes Project 0.03135; 1000 Genomes Project 30x 0.03264; TOPMed 0.03439.

Submission:

Illumina Laboratory Services, Illumina
Classification: Benign for Torsion dystonia 6. Last evaluated: 2018-01-13. Review status: criteria provided, single submitter. Criteria: ICSL Variant Classification Criteria 13 December 2019. Collection method: clinical testing. Allele origin: germline.
Comment: This variant was observed in the ICSL laboratory as part of a predisposition screen in an ostensibly healthy population. It had not been previously curated by ICSL or reported in the Human Gene Mutation Database (HGMD: prior to June 1st, 2018), and was therefore a candidate for classification through an automated scoring system. Utilizing variant allele frequency, disease prevalence and penetrance estimates, and inheritance mode, an automated score was calculated to assess if this variant is too frequent to cause the disease. Based on the score and internal cut-off values, a variant classified as benign is not then subjected to further curation. The score for this variant resulted in a classification of benign for this disease.

NM_018105.3(THAP1):c.*455A>G

Gene: THAP1 (THAP domain containing 1; minus strand). Cytogenetic location: 8p11.21.
Variant type: single nucleotide variant.
Coding change: c.*455A>G on transcript NM_018105.3 (MANE Select); 455 bases downstream of the stop codon, A replaced by G.
Molecular consequence: 3 prime UTR variant.
Genome position (GRCh38, 1-based): chr8:42,837,507, T>C on the plus strand (A>G on the coding strand, the complement: THAP1 is on the minus strand). VCF-style: chr8-42837507-T-C. GRCh37 (hg19) VCF-style: chr8-42692650-T-C.
Other names: c.*739A>G (NM_199003.2).
Identifiers: ClinVar variation 363115 (VCV000363115.5), dbSNP rs73675436, ClinGen allele CA10627862.